The following is an entry in ClinVar:

ClinVar aggregate classification (germline): Likely benign (0 of 4 stars; one submission).

Conditions:
FANCE-related disorder. Also called: FANCE-related condition.

Allele frequency attached by ClinVar (database versions not stated): TOPMed 0.00008; gnomAD 0.00009; 1000 Genomes Project 30x 0.00016.
gnomAD v4.1: 27 of 1,311,726 alleles (0.0021%); highest among the groups gnomAD compares: African/African-American, 0.038%; no homozygotes.

Submission:

PreventionGenetics, part of Exact Sciences
Classification: Likely benign for FANCE-related condition. Last evaluated: 2019-03-21. Review status: no assertion criteria provided. Collection method: clinical testing. Allele origin: germline.
Comment: This variant is classified as likely benign based on ACMG/AMP sequence variant interpretation guidelines (Richards et al. 2015 PMID: 25741868, with internal and published modifications).

NM_021922.3(FANCE):c.-4C>T

Genes: FANCE (FA complementation group E; plus strand), LOC129996245 (ATAC-STARR-seq lymphoblastoid silent region 17092; plus strand). Cytogenetic location: 6p21.31.
Variant type: single nucleotide variant.
Coding change: c.-4C>T on transcript NM_021922.3 (MANE Select); 4 bases upstream of the start codon, C replaced by T.
Molecular consequence: 5 prime UTR variant.
Genome position (GRCh38, 1-based): chr6:35,452,542, C>T. VCF-style: chr6-35452542-C-T. GRCh37 (hg19) VCF-style: chr6-35420319-C-T.
Other names: c.-4C>T (NM_001410876.1).
Identifiers: ClinVar variation 3047795 (VCV003047795.2), dbSNP rs955394922, ClinGen allele CA137292186.